The following is an entry in ClinVar:

NM_001360.3(DHCR7):c.69C>T (p.Thr23=)

Gene: DHCR7 (7-dehydrocholesterol reductase; minus strand). Cytogenetic location: 11q13.4.
Variant type: single nucleotide variant.
Coding change: c.69C>T on transcript NM_001360.3 (MANE Select); coding-DNA position 69, C replaced by T.
Protein change: p.Thr23=; no amino-acid change (threonine 23 retained).
Molecular consequence: synonymous variant.
Genome position (GRCh38, 1-based): chr11:71,444,884, G>A on the plus strand (C>T on the coding strand, the complement: DHCR7 is on the minus strand). VCF-style: chr11-71444884-G-A. GRCh37 (hg19) VCF-style: chr11-71155930-G-A.
Other names: c.69C>T, p.Thr23= (NM_001163817.2).
Identifiers: ClinVar variation 93722 (VCV000093722.20), dbSNP rs199798127, ClinGen allele CA221677.

ClinVar aggregate classification (germline): Conflicting classifications of pathogenicity. Review status: criteria provided, conflicting classifications (1 of 4 stars). 5 submissions from 5 submitters: Uncertain significance (1); Likely benign (3). 1 of the submissions does not count toward it. Last evaluated 2025-10-22.

Conditions:
DHCR7-related disorder. Also called: DHCR7-related condition.
Inborn genetic diseases. Identifiers: MedGen C0950123, MeSH D030342.
Smith-Lemli-Opitz syndrome (SLOS). Also called: RSH SYNDROME; RUTLEDGE LETHAL MULTIPLE CONGENITAL ANOMALY SYNDROME; 7-Dehydrocholesterol reductase deficiency; LETHAL ACRODYSGENITAL SYNDROME; POLYDACTYLY, SEX REVERSAL, RENAL HYPOPLASIA, AND UNILOBAR LUNG. Identifiers: Orphanet 818, MedGen C0175694, MONDO:0010035, OMIM 270400.

Allele frequency attached by ClinVar (database versions not stated): gnomAD 0.00005; TOPMed 0.00005; gnomAD exomes 0.00006 and 0.00011; ExAC 0.00007; ESP Exome Variant Server 0.00015; 1000 Genomes Project 30x 0.00016; 1000 Genomes Project 0.00020.
gnomAD v4.1: 171 of 1,614,156 alleles (0.011%); highest among the groups gnomAD compares: Non-Finnish European, 0.014%; no homozygotes.

Submissions (5):

Labcorp Genetics (formerly Invitae), Labcorp
Classification: Likely benign for Smith-Lemli-Opitz syndrome. Last evaluated: 2025-10-22. Review status: criteria provided, single submitter. Criteria: Invitae Variant Classification Sherloc (09022015). Collection method: clinical testing. Allele origin: germline.

GeneDx
Classification: Likely benign. Last evaluated: 2019-12-30. Review status: criteria provided, single submitter. Criteria: GeneDx Variant Classification Process June 2021. Collection method: clinical testing. Allele origin: germline. Affected: yes.

Ambry Genetics
Classification: Likely benign for Inborn genetic diseases. Last evaluated: 2019-11-23. Review status: criteria provided, single submitter. Criteria: Ambry Variant Classification Scheme 2023. Collection method: clinical testing. Allele origin: germline.

Eurofins Ntd Llc (ga)
Classification: Uncertain significance. Last evaluated: 2013-10-07. Review status: criteria provided, single submitter. Criteria: EGL Classification Definitions 2015. Collection method: clinical testing. Allele origin: germline. Observed: 1 variant allele, 1 heterozygote.

PreventionGenetics, part of Exact Sciences
Classification: Likely benign for DHCR7-related condition. Last evaluated: 2021-06-29. Review status: no assertion criteria provided. Collection method: clinical testing. Allele origin: germline. Not counted in ClinVar's aggregate classification.
Comment: This variant is classified as likely benign based on ACMG/AMP sequence variant interpretation guidelines (Richards et al. 2015 PMID: 25741868, with internal and published modifications).